The following is an entry in ClinVar:

ClinVar aggregate classification (germline): Uncertain significance. Review status: criteria provided, multiple submitters, no conflicts (2 of 4 stars). 2 submissions from 2 submitters: Uncertain significance (2). Last evaluated 2025-10-27.

Conditions:
Inborn genetic diseases. Identifiers: MedGen C0950123, MeSH D030342.

Allele frequency attached by ClinVar (database versions not stated): gnomAD exomes 0.00001.
gnomAD v4.1: 12 of 1,549,010 alleles (0.00077%); highest among the groups gnomAD compares: Admixed American, 0.002%; no homozygotes.

Submissions (2):

Labcorp Genetics (formerly Invitae), Labcorp
Classification: Uncertain significance. Last evaluated: 2025-10-27. Review status: criteria provided, single submitter. Criteria: Invitae Variant Classification Sherloc (09022015). Collection method: clinical testing. Allele origin: germline.
Comment: This sequence change replaces glutamic acid, which is acidic and polar, with aspartic acid, which is acidic and polar, at codon 139 of the TMEM240 protein (p.Glu139Asp). This variant is present in population databases (no rsID available, gnomAD 0.004%). This variant has not been reported in the literature in individuals affected with TMEM240-related conditions. ClinVar contains an entry for this variant (Variation ID: 1907882). An algorithm developed to predict the effect of missense changes on protein structure and function outputs the following: PolyPhen-2: "Benign". The aspartic acid amino acid residue is found in multiple mammalian species, which suggests that this missense change does not adversely affect protein function. In summary, the available evidence is currently insufficient to determine the role of this variant in disease. Therefore, it has been classified as a Variant of Uncertain Significance.

Ambry Genetics
Classification: Uncertain significance for Inborn genetic diseases. Last evaluated: 2025-10-07. Review status: criteria provided, single submitter. Criteria: Ambry Variant Classification Scheme 2023. Collection method: clinical testing. Allele origin: germline.

NM_001114748.2(TMEM240):c.417G>C (p.Glu139Asp)

Gene: TMEM240 (transmembrane protein 240; minus strand). Cytogenetic location: 1p36.33.
Variant type: single nucleotide variant.
Coding change: c.417G>C on transcript NM_001114748.2 (MANE Select); coding-DNA position 417, G replaced by C.
Protein change: p.Glu139Asp; replaces glutamic acid 139 with aspartic acid.
Molecular consequence: missense variant.
Genome position (GRCh38, 1-based): chr1:1,535,464, C>G on the plus strand (G>C on the coding strand, the complement: TMEM240 is on the minus strand). VCF-style: chr1-1535464-C-G. GRCh37 (hg19) VCF-style: chr1-1470844-C-G.
Other names: short protein forms E139D.
Identifiers: ClinVar variation 1907882 (VCV001907882.7), dbSNP rs1271827296, ClinGen allele CA337866064.